The following is an entry in ClinVar:

NM_000359.3(TGM1):c.377G>A (p.Arg126His)

Gene: TGM1 (transglutaminase 1; minus strand). Cytogenetic location: 14q12.
Variant type: single nucleotide variant.
Coding change: c.377G>A on transcript NM_000359.3 (MANE Select); coding-DNA position 377, G replaced by A.
Protein change: p.Arg126His; replaces arginine 126 with histidine.
Molecular consequence: missense variant.
Genome position (GRCh38, 1-based): chr14:24,261,826, C>T on the plus strand (G>A on the coding strand, the complement: TGM1 is on the minus strand). VCF-style: chr14-24261826-C-T. GRCh37 (hg19) VCF-style: chr14-24731032-C-T.
Other names: short protein forms R126H.
Identifiers: ClinVar variation 279909 (VCV000279909.21), dbSNP rs200491579, ClinGen allele CA501082.

ClinVar aggregate classification (germline): Pathogenic/Likely pathogenic. Review status: criteria provided, multiple submitters, no conflicts (2 of 4 stars). 7 submissions from 7 submitters: Pathogenic (5); Likely pathogenic (1). 1 of the submissions does not count toward it. Last evaluated 2026-07-30.

Conditions:
Fetal anomalies with a likely genetic cause.
Lamellar ichthyosis. Identifiers: Orphanet 313, MedGen C5848247, MONDO:0017778.
Autosomal recessive congenital ichthyosis 1 (LI1). Also called: ICHTHYOSIS, CONGENITAL, AUTOSOMAL RECESSIVE 1, WITH BATHING SUIT DISTRIBUTION; ICHTHYOSIS, CONGENITAL, AUTOSOMAL RECESSIVE 1, WITH OR WITHOUT BATHING SUIT DISTRIBUTION; COLLODION FETUS; DESQUAMATION OF NEWBORN; ICHTHYOSIS CONGENITA; ICHTHYOSIS CONGENITA II. Identifiers: MedGen C4551630, MONDO:0009441, OMIM 242300.

Allele frequency attached by ClinVar (database versions not stated): ExAC 0.00003; gnomAD 0.00003 and 0.00004; TOPMed 0.00003; gnomAD exomes 0.00004; ESP Exome Variant Server 0.00008.

Submissions (7):

Genetics Laboratory, Great Ormond Street Hospital NHS Foundation Trust, North Thames Genomic Laboratory Hub
Classification: Likely pathogenic for Fetal anomalies with a likely genetic cause. Last evaluated: 2026-07-30. Review status: criteria provided, single submitter. Criteria: ACGS Best Practice Guidelines for Variant Classification in Rare Disease 2024 v1.2. Collection method: clinical testing. Allele origin: germline. Affected: yes.
Comment: PM2_moderate, PM5_moderate, PS3_supporting, PM3_moderate, PP4_supporting

Natera, Inc.
Classification: Pathogenic for Autosomal recessive congenital ichthyosis type 1. Last evaluated: 2025-08-19. Review status: criteria provided, single submitter. Criteria: Natera Variant Classification Schema (03/2026). Collection method: clinical testing. Allele origin: germline.
Comment: The c.377G>A variant in TGM1 is a missense variant predicted to cause substitution of arginine to histidine at amino acid 126. This variant is rare in the general population with a frequency below the threshold expected for the associated phenotype(s). This variant has been observed in one or more individuals affected with the associated recessive disease, as either homozygous or compound heterozygous with a second variant (PMID: 38588653). Computational prediction algorithms indicate this variant is likely to affect gene or protein function. Given the available evidence, this variant is classified as Pathogenic.

Labcorp Genetics (formerly Invitae), Labcorp
Classification: Pathogenic. Last evaluated: 2024-08-21. Review status: criteria provided, single submitter. Criteria: Invitae Variant Classification Sherloc (09022015). Collection method: clinical testing. Allele origin: germline.
Comment: This sequence change replaces arginine, which is basic and polar, with histidine, which is basic and polar, at codon 126 of the TGM1 protein (p.Arg126His). This variant is present in population databases (rs200491579, gnomAD 0.006%). This missense change has been observed in individuals with congenital ichthyosis (PMID: 19241467, 22437313, 31046801, 31168818). ClinVar contains an entry for this variant (Variation ID: 279909). Invitae Evidence Modeling of protein sequence and biophysical properties (such as structural, functional, and spatial information, amino acid conservation, physicochemical variation, residue mobility, and thermodynamic stability) has been performed for this missense variant. However, the output from this modeling did not meet the statistical confidence thresholds required to predict the impact of this variant on TGM1 protein function. This variant disrupts the p.Arg126 amino acid residue in TGM1. Other variant(s) that disrupt this residue have been determined to be pathogenic (PMID: 16968736, 19241467). This suggests that this residue is clinically significant, and that variants that disrupt this residue are likely to be disease-causing. For these reasons, this variant has been classified as Pathogenic.

GeneDx
Classification: Pathogenic. Last evaluated: 2024-01-25. Review status: criteria provided, single submitter. Criteria: GeneDx Variant Classification Process June 2021. Collection method: clinical testing. Allele origin: germline. Affected: yes.
Comment: Published functional studies demonstrate that p.(R126H) results in absent transglutaminase-1 enzyme activity (PMID: 22437313, 24055110); In silico analysis supports that this missense variant has a deleterious effect on protein structure/function; This variant is associated with the following publications: (PMID: 34908195, 24055110, 31046801, 31980526, 34426522, 31589614, 38061711, 22437313, 31168818, 25998749, 18948357)

Women's Health and Genetics/Laboratory Corporation of America, LabCorp
Classification: Pathogenic for Lamellar ichthyosis. Last evaluated: 2023-03-02. Review status: criteria provided, single submitter. Criteria: LabCorp Variant Classification Summary - May 2015. Collection method: clinical testing. Allele origin: germline.
Comment: Variant summary: TGM1 c.377G>A (p.Arg126His) results in a non-conservative amino acid change located in the Transglutaminase, N-terminal domain (IPR001102) of the encoded protein sequence. Five of five in-silico tools predict a damaging effect of the variant on protein function. The variant allele was found at a frequency of 3.6e-05 in 251210 control chromosomes (gnomAD). c.377G>A has been reported in the literature in multiple individuals affected with Lamellar Ichthyosis (e.g. Farasat_2008, Herman_2009, Aufenvenne_2012, Borska_2019, Simpson_2020). At least one of these publications reported the lack of TG1 protein and activity in patient derived skin biopsy samples (Aufenvenne_2012). These data indicate that the variant is likely to be associated with disease. Four clinical diagnostic laboratories have submitted clinical-significance assessments for this variant to ClinVar after 2014, and classified the variant as pathogenic (n=3) / likely pathogenic (n=1). Based on the evidence outlined above, the variant was classified as pathogenic.

Genome-Nilou Lab
Classification: Pathogenic for Autosomal recessive congenital ichthyosis 1. Review status: criteria provided, single submitter. Criteria: ACMG Guidelines, 2015. Collection method: clinical testing. Allele origin: germline.

Counsyl
Classification: Likely pathogenic for Autosomal recessive congenital ichthyosis 1. Last evaluated: 2018-03-23. Review status: no assertion criteria provided. Collection method: clinical testing. Allele origin: unknown. Not counted in ClinVar's aggregate classification.

Literature cited by the submitters: PubMed 38588653 (cited by Natera, Inc.); PubMed 19241467 (cited by 3 submitters); PubMed 22437313 (cited by 3 submitters); PubMed 31046801 (cited by Labcorp Genetics (formerly Invitae), Labcorp and Women's Health and Genetics/Laboratory Corporation of America, LabCorp); PubMed 31168818 (cited by Labcorp Genetics (formerly Invitae), Labcorp and Women's Health and Genetics/Laboratory Corporation of America, LabCorp); PubMed 16968736 (cited by Labcorp Genetics (formerly Invitae), Labcorp); PubMed 18948357 (cited by Women's Health and Genetics/Laboratory Corporation of America, LabCorp); PubMed 25998749 (cited by Counsyl).